The following is an entry in ClinVar:

ClinVar aggregate classification (germline): Likely benign. Review status: criteria provided, multiple submitters, no conflicts (2 of 4 stars). 2 submissions from 2 submitters: Likely benign (2). Last evaluated 2025-07-25.

Allele frequency attached by ClinVar (database versions not stated): gnomAD 0.00001; gnomAD exomes 0.00001 and 0.00002; TOPMed 0.00003; ESP Exome Variant Server 0.00008.
gnomAD v4.1: 13 of 1,579,834 alleles (0.00082%); highest among the groups gnomAD compares: African/African-American, 0.015%; no homozygotes.

Submissions (2):

Labcorp Genetics (formerly Invitae), Labcorp
Classification: Likely benign. Last evaluated: 2025-07-25. Review status: criteria provided, single submitter. Criteria: Invitae Variant Classification Sherloc (09022015). Collection method: clinical testing. Allele origin: germline.

GeneDx
Classification: Likely benign. Last evaluated: 2016-05-26. Review status: criteria provided, single submitter. Criteria: GeneDx Variant Classification (06012015). Collection method: clinical testing. Allele origin: germline. Affected: yes.
Comment: This variant is considered likely benign or benign based on one or more of the following criteria: it is a conservative change, it occurs at a poorly conserved position in the protein, it is predicted to be benign by multiple in silico algorithms, and/or has population frequency not consistent with disease.

NM_014254.3(RXYLT1):c.744-18G>A

Gene: RXYLT1 (ribitol xylosyltransferase 1; plus strand). Cytogenetic location: 12q14.2.
Variant type: single nucleotide variant.
Coding change: c.744-18G>A on transcript NM_014254.3 (MANE Select); 18 bases into the intron before coding-DNA position 744, G replaced by A.
Molecular consequence: intron variant.
Genome position (GRCh38, 1-based): chr12:63,805,216, G>A. VCF-style: chr12-63805216-G-A. GRCh37 (hg19) VCF-style: chr12-64198996-G-A.
Other names: c.-37-18G>A (NM_001278237.2).
Identifiers: ClinVar variation 385988 (VCV000385988.5), dbSNP rs368145453, ClinGen allele CA16606603.
Genomic context (GRCh38, chr12:63,805,216, plus strand): 5'-CTACCTAAGAGATTGGGTTATGGGGAATTTTTGCCAATTCTATATCATATGTTAATTCAT[G>A]TGTATTTATTTTTATAGATACAGGAATTTTCCTGTGGTGGAGGCAAGTTGGTCAATGCTG-3'